The following is an entry in ClinVar:

NM_000059.4(BRCA2):c.6972T>A (p.His2324Gln)

Gene: BRCA2 (BRCA2 DNA repair associated; plus strand). Cytogenetic location: 13q13.1.
Variant type: single nucleotide variant.
Coding change: c.6972T>A on transcript NM_000059.4 (MANE Select); coding-DNA position 6972, T replaced by A.
Protein change: p.His2324Gln; replaces histidine 2324 with glutamine.
Molecular consequence: missense variant. On other transcripts: non-coding transcript variant (1).
Genome position (GRCh38, 1-based): chr13:32,346,861, T>A. VCF-style: chr13-32346861-T-A. GRCh37 (hg19) VCF-style: chr13-32920998-T-A.
Other names: c.6876T>A, p.His2292Gln (NM_001406719.1); c.6972T>A, p.His2324Gln (NM_001406720.1, NM_001432077.1); c.2040T>A, p.His680Gln (NM_001406721.1); c.555T>A, p.His185Gln (NM_001406722.1); short protein forms H2324Q, H680Q, H185Q, H2292Q.
Identifiers: ClinVar variation 3694346 (VCV003694346.2).

ClinVar aggregate classification (germline): Uncertain significance (1 of 4 stars; one submission).

Conditions:
Hereditary breast ovarian cancer syndrome. Also called: BRCA1- and BRCA2-Associated Hereditary Breast and Ovarian Cancer; Breast and ovarian cancer; Hereditary breast and ovarian cancer; Hereditary breast and ovarian cancer syndrome (HBOC); Hereditary breast and ovarian cancer syndrome; Hereditary breast and/or ovarian cancer syndrome. Identifiers: Orphanet 145, MedGen C0677776, MeSH D061325, MONDO:0003582. Disease mechanism: loss of function.

Submission:

Labcorp Genetics (formerly Invitae), Labcorp
Classification: Uncertain significance for Hereditary breast ovarian cancer syndrome. Last evaluated: 2024-10-31. Review status: criteria provided, single submitter. Criteria: Invitae Variant Classification Sherloc (09022015). Collection method: clinical testing. Allele origin: germline.
Comment: This sequence change replaces histidine, which is basic and polar, with glutamine, which is neutral and polar, at codon 2324 of the BRCA2 protein (p.His2324Gln). This variant is not present in population databases (gnomAD no frequency). This variant has not been reported in the literature in individuals affected with BRCA2-related conditions. Invitae Evidence Modeling of protein sequence and biophysical properties (such as structural, functional, and spatial information, amino acid conservation, physicochemical variation, residue mobility, and thermodynamic stability) indicates that this missense variant is not expected to disrupt BRCA2 protein function with a negative predictive value of 95%. In summary, the available evidence is currently insufficient to determine the role of this variant in disease. Therefore, it has been classified as a Variant of Uncertain Significance.